The following is an entry in ClinVar:

ClinVar aggregate classification (germline): Uncertain significance (1 of 4 stars; one submission).

Allele frequency attached by ClinVar (database versions not stated): TOPMed below 0.00001; gnomAD 0.00001; ExAC 0.00007; ESP Exome Variant Server 0.00010.
gnomAD v4.1: 27 of 1,543,478 alleles (0.0017%); highest among the groups gnomAD compares: East Asian, 0.0049%; no homozygotes.

Submission:

Labcorp Genetics (formerly Invitae), Labcorp
Classification: Uncertain significance. Last evaluated: 2023-08-07. Review status: criteria provided, single submitter. Criteria: Invitae Variant Classification Sherloc (09022015). Collection method: clinical testing. Allele origin: germline.
Comment: This sequence change replaces valine, which is neutral and non-polar, with methionine, which is neutral and non-polar, at codon 777 of the CACNA1E protein (p.Val777Met). This variant is present in population databases (rs368380946, gnomAD 0.002%). This variant has not been reported in the literature in individuals affected with CACNA1E-related conditions. Advanced modeling of protein sequence and biophysical properties (such as structural, functional, and spatial information, amino acid conservation, physicochemical variation, residue mobility, and thermodynamic stability) has been performed at Invitae for this missense variant, however the output from this modeling did not meet the statistical confidence thresholds required to predict the impact of this variant on CACNA1E protein function. In summary, the available evidence is currently insufficient to determine the role of this variant in disease. Therefore, it has been classified as a Variant of Uncertain Significance.

NM_001205293.3(CACNA1E):c.2329G>A (p.Val777Met)

Gene: CACNA1E (calcium voltage-gated channel subunit alpha1 E; plus strand). Cytogenetic location: 1q25.3.
Variant type: single nucleotide variant.
Coding change: c.2329G>A on transcript NM_001205293.3 (MANE Select); coding-DNA position 2329, G replaced by A.
Protein change: p.Val777Met; replaces valine 777 with methionine.
Molecular consequence: missense variant.
Genome position (GRCh38, 1-based): chr1:181,732,415, G>A. VCF-style: chr1-181732415-G-A. GRCh37 (hg19) VCF-style: chr1-181701551-G-A.
Other names: c.2329G>A, p.Val777Met (NM_000721.4); c.2272G>A, p.Val758Met (NM_001205294.2); short protein forms V758M, V777M.
Identifiers: ClinVar variation 2715399 (VCV002715399.3), dbSNP rs368380946, ClinGen allele CA1275333.